The following is an entry in ClinVar:

ClinVar aggregate classification (germline): Likely benign. Review status: criteria provided, multiple submitters, no conflicts (2 of 4 stars). 2 submissions from 2 submitters: Likely benign (2). Last evaluated 2026-04-25.

Conditions:
CEP290-related disorder. Also called: CEP290-related disorders; CEP290-related condition. Identifiers: MedGen CN239314.
Meckel-Gruber syndrome. Also called: Dysencephalia splachnocystica; DYSENCEPHALIA SPLANCHNOCYSTICA; GRUBER SYNDROME. Identifiers: Orphanet 564, MedGen C0265215, MONDO:0018921.
Joubert syndrome. Also called: Familial aplasia of the vermis; JOUBERT-BOLTSHAUSER SYNDROME. Identifiers: Orphanet 475, MedGen C5979921, MONDO:0018772.
Nephronophthisis. Also called: Juvenile Nephronophthisis. Identifiers: Orphanet 655, MedGen C0687120, MONDO:0019005, HP:0000090.

Submissions (2):

PreventionGenetics, part of Exact Sciences
Classification: Likely benign for CEP290-related condition. Last evaluated: 2026-04-25. Review status: criteria provided, single submitter. Criteria: ACMG Guidelines, 2015. Collection method: clinical testing. Allele origin: germline.
Comment: This variant is classified as likely benign based on ACMG/AMP sequence variant interpretation guidelines (Richards et al. 2015 PMID: 25741868, with internal and published modifications).

Labcorp Genetics (formerly Invitae), Labcorp
Classification: Likely benign for Joubert syndrome; Meckel-Gruber syndrome; Nephronophthisis. Last evaluated: 2023-12-01. Review status: criteria provided, single submitter. Criteria: Invitae Variant Classification Sherloc (09022015). Collection method: clinical testing. Allele origin: germline.

NM_025114.4(CEP290):c.3630T>G (p.Leu1210=)

Gene: CEP290 (centrosomal protein 290; minus strand). Cytogenetic location: 12q21.32.
Variant type: single nucleotide variant.
Coding change: c.3630T>G on transcript NM_025114.4 (MANE Select); coding-DNA position 3630, T replaced by G.
Protein change: p.Leu1210=; no amino-acid change (leucine 1210 retained).
Molecular consequence: synonymous variant.
Genome position (GRCh38, 1-based): chr12:88,089,431, A>C on the plus strand (T>G on the coding strand, the complement: CEP290 is on the minus strand). VCF-style: chr12-88089431-A-C. GRCh37 (hg19) VCF-style: chr12-88483208-A-C.
Other names: c.3630T>G (NM_025114.3).
Identifiers: ClinVar variation 2935244 (VCV002935244.4), dbSNP rs2500118476, ClinGen allele CA481077067.
Genomic context (GRCh38, chr12:88,089,431, plus strand): 5'-CTTCTGCAGTTTAGATGTAATTGACTCCAACTTACCAAGAGCAGTAGCCTCACTCAGTTG[A>C]AGAGAGACATTATGTTGGTGCAACTTGGCAATGAGCGACTTTTCATCAGACTGTGCCTGA-3'
Protein context (NP_079390.3, residues 1200-1220): IAKLHQHNVS[Leu1210=]QLSEATALGK